The following is an entry in ClinVar:

NM_000260.4(MYO7A):c.4570G>C (p.Glu1524Gln)

Gene: MYO7A (myosin VIIA; plus strand). Cytogenetic location: 11q13.5.
Variant type: single nucleotide variant.
Coding change: c.4570G>C on transcript NM_000260.4 (MANE Select); coding-DNA position 4570, G replaced by C.
Protein change: p.Glu1524Gln; replaces glutamic acid 1524 with glutamine.
Molecular consequence: missense variant. On other transcripts: intron variant (2).
Genome position (GRCh38, 1-based): chr11:77,199,536, G>C. VCF-style: chr11-77199536-G-C. GRCh37 (hg19) VCF-style: chr11-76910581-G-C.
Other names: c.4536-113G>C (NM_001369365.1); c.4569-113G>C (NM_001127180.2); c.4570G>C (NM_000260.3); short protein forms E1524Q.
Identifiers: ClinVar variation 1045389 (VCV001045389.11), dbSNP rs1304014529, ClinGen allele CA381950487.

ClinVar aggregate classification (germline): Uncertain significance. Review status: criteria provided, multiple submitters, no conflicts (2 of 4 stars). 2 submissions from 2 submitters: Uncertain significance (2). Last evaluated 2025-11-12.

Conditions:
Inborn genetic diseases. Identifiers: MedGen C0950123, MeSH D030342.

Allele frequency attached by ClinVar (database versions not stated): TOPMed 0.00001.

Submissions (2):

Ambry Genetics
Classification: Uncertain significance for Inborn genetic diseases. Last evaluated: 2025-11-12. Review status: criteria provided, single submitter. Criteria: Ambry Variant Classification Scheme 2023. Collection method: clinical testing. Allele origin: germline.

Labcorp Genetics (formerly Invitae), Labcorp
Classification: Uncertain significance. Last evaluated: 2022-09-01. Review status: criteria provided, single submitter. Criteria: Invitae Variant Classification Sherloc (09022015). Collection method: clinical testing. Allele origin: germline.
Comment: In summary, the available evidence is currently insufficient to determine the role of this variant in disease. Therefore, it has been classified as a Variant of Uncertain Significance. Algorithms developed to predict the effect of missense changes on protein structure and function (SIFT, PolyPhen-2, Align-GVGD) all suggest that this variant is likely to be tolerated. ClinVar contains an entry for this variant (Variation ID: 1045389). This variant has not been reported in the literature in individuals affected with MYO7A-related conditions. This variant is not present in population databases (gnomAD no frequency). This sequence change replaces glutamic acid, which is acidic and polar, with glutamine, which is neutral and polar, at codon 1524 of the MYO7A protein (p.Glu1524Gln).